The following is an entry in ClinVar:

ClinVar aggregate classification (germline): Conflicting classifications of pathogenicity. Review status: criteria provided, conflicting classifications (1 of 4 stars). 2 submissions from 1 submitter: Uncertain significance (1); Likely benign (1). Last evaluated 2018-01-12.

Conditions:
Susceptibility to mononeuropathy of the median nerve, mild. Also called: CARPAL TUNNEL SYNDROME, SUSCEPTIBILITY TO. Identifiers: MedGen C3150596, MONDO:0013237, OMIM 613353.
Charcot-Marie-Tooth disease type 4C (CMT4C). Also called: CHARCOT-MARIE-TOOTH DISEASE, DEMYELINATING, TYPE 4C; SH3TC2-Related Hereditary Motor and Sensory Neuropathy; Charcot-Marie-Tooth Neuropathy Type 4C (CMT4C); CHARCOT-MARIE-TOOTH DISEASE, DEMYELINATING, AUTOSOMAL RECESSIVE, TYPE 4C; CMT 4C. Identifiers: Orphanet 99949, MedGen C1866636, MONDO:0011113, OMIM 601596.

Allele frequency attached by ClinVar (database versions not stated): gnomAD 0.00003 and 0.00007; TOPMed 0.00003; 1000 Genomes Project 30x 0.00031; 1000 Genomes Project 0.00040.
gnomAD v4.1: 11 of 152,108 alleles (0.0072%); highest among the groups gnomAD compares: East Asian, 0.17%; no homozygotes.

Submissions (2):

Illumina Laboratory Services, Illumina
Classification: Uncertain significance for Charcot-Marie-Tooth disease type 4C. Last evaluated: 2018-01-12. Review status: criteria provided, single submitter. Criteria: ICSL Variant Classification Criteria 13 December 2019. Collection method: clinical testing. Allele origin: germline.

Illumina Laboratory Services, Illumina
Classification: Likely benign for Susceptibility to mononeuropathy of the median nerve, mild. Last evaluated: 2018-01-12. Review status: criteria provided, single submitter. Criteria: ICSL Variant Classification Criteria 13 December 2019. Collection method: clinical testing. Allele origin: germline.
Comment: This variant was observed in the ICSL laboratory as part of a predisposition screen in an ostensibly healthy population. It had not been previously curated by ICSL or reported in the Human Gene Mutation Database (HGMD: prior to June 1st, 2018), and was therefore a candidate for classification through an automated scoring system. Utilizing variant allele frequency, disease prevalence and penetrance estimates, and inheritance mode, an automated score was calculated to assess if this variant is too frequent to cause the disease. Based on the score and internal cut-off values, a variant classified as likely benign is not then subjected to further curation. The score for this variant resulted in a classification of likely benign for this disease.

NM_024577.4(SH3TC2):c.*11927T>C

Gene: SH3TC2 (SH3 domain and tetratricopeptide repeats 2; minus strand). Cytogenetic location: 5q32.
Variant type: single nucleotide variant.
Coding change: c.*11927T>C on transcript NM_024577.4 (MANE Select); 11927 bases downstream of the stop codon, T replaced by C.
Molecular consequence: 3 prime UTR variant.
Genome position (GRCh38, 1-based): chr5:148,992,784, A>G on the plus strand (T>C on the coding strand, the complement: SH3TC2 is on the minus strand). VCF-style: chr5-148992784-A-G. GRCh37 (hg19) VCF-style: chr5-148372347-A-G.
Identifiers: ClinVar variation 905860 (VCV000905860.4), dbSNP rs75711075, ClinGen allele CA128988280.
Genomic context (GRCh38, chr5:148,992,784, plus strand): 5'-AGTGACAGAACTAGGTTCAGACCCCAGATCACCTGACCCCAATCCCACTGCTCTTTAACT[A>G]CATCACACTGAGCTAACTCATCCCTGCAACATGCACCAAGAGTCTTCCAGGATTAAACTG-3'